The following is an entry in ClinVar:

ClinVar aggregate classification (germline): Uncertain significance. Review status: criteria provided, multiple submitters, no conflicts (2 of 4 stars). 2 submissions from 2 submitters: Uncertain significance (2). Last evaluated 2026-07-06.

Conditions:
Hereditary cancer-predisposing syndrome. Also called: Hereditary Cancer Syndrome; Hereditary neoplastic syndrome; Neoplastic Syndromes, Hereditary; Tumor predisposition. Identifiers: Orphanet 140162, MedGen C0027672, MeSH D009386, MONDO:0015356.

Submissions (2):

Ambry Genetics
Classification: Uncertain significance for Hereditary cancer-predisposing syndrome. Last evaluated: 2026-07-06. Review status: criteria provided, single submitter. Criteria: Ambry Variant Classification Scheme 2023. Collection method: clinical testing. Allele origin: germline.
Comment: The p.L613S variant (also known as c.1838T>C), located in coding exon 4 of the MSH6 gene, results from a T to C substitution at nucleotide position 1838. The leucine at codon 613 is replaced by serine, an amino acid with dissimilar properties. This amino acid position is conserved. In addition, the in silico prediction for this alteration is inconclusive. Based on the available evidence, the clinical significance of this variant remains unclear.

Color Diagnostics, LLC DBA Color Health
Classification: Uncertain significance for Hereditary cancer-predisposing syndrome. Last evaluated: 2025-07-07. Review status: criteria provided, single submitter. Criteria: ACMG Guidelines, 2015. Collection method: clinical testing. Allele origin: germline.
Comment: This missense variant replaces leucine with serine at codon 613 of the MSH6 protein. Computational prediction is inconclusive regarding the impact of this variant on protein structure and function. To our knowledge, functional studies have not been reported for this variant. This variant has not been reported in individuals affected with MSH6-related disorders in the literature. This variant has not been identified in the general population by the Genome Aggregation Database (gnomAD). The available evidence is insufficient to determine the role of this variant in disease conclusively. Therefore, this variant is classified as a Variant of Uncertain Significance.

NM_000179.3(MSH6):c.1838T>C (p.Leu613Ser)

Gene: MSH6 (mutS homolog 6; plus strand). Cytogenetic location: 2p16.3.
Variant type: single nucleotide variant.
Coding change: c.1838T>C on transcript NM_000179.3 (MANE Select); coding-DNA position 1838, T replaced by C.
Protein change: p.Leu613Ser; replaces leucine 613 with serine.
Molecular consequence: missense variant. On other transcripts: non-coding transcript variant (4), intron variant (2).
Genome position (GRCh38, 1-based): chr2:47,799,821, T>C. VCF-style: chr2-47799821-T-C. GRCh37 (hg19) VCF-style: chr2-48026960-T-C.
Other names: c.932T>C, p.Leu311Ser (NM_001406812.1, NM_001406814.1, NM_001406815.1 and 6 more transcripts); c.1844T>C, p.Leu615Ser (NM_001406813.1); c.1541T>C, p.Leu514Ser (NM_001406818.1, NM_001406819.1, NM_001406820.1 and 10 more transcripts); c.1934T>C, p.Leu645Ser (NM_001406802.1, NM_001406795.1); c.1838T>C, p.Leu613Ser (NM_001406803.1, NM_001406808.1, NM_001406809.1 and 3 more transcripts); c.1760T>C, p.Leu587Ser (NM_001406804.1); c.1313T>C, p.Leu438Ser (NM_001406806.1, NM_001406807.1, NM_001406799.1); c.1670T>C, p.Leu557Ser (NM_001406826.1); and 3 more; short protein forms L311S, L438S, L483S, L514S, L557S, L587S, L613S, L615S.
Identifiers: ClinVar variation 4757646 (VCV004757646.2).
Genomic context (GRCh38, chr2:47,799,821, plus strand): 5'-AAGTTTTATTTGAAAAAGGAAATCTCTCAAAGGAAACTAAAACAATTCTAAAGAGTTCAT[T>C]GTCCTGTTCTCTTCAGGAAGGTCTGATACCCGGCTCCCAGTTTTGGGATGCATCCAAAAC-3'
Protein context (NP_000170.1, residues 603-623): KETKTILKSS[Leu613Ser]SCSLQEGLIP